The following is an entry in ClinVar:

ClinVar aggregate classification (germline): Uncertain significance (1 of 4 stars; one submission).

Conditions:
Muscular dystrophy-dystroglycanopathy (congenital with brain and eye anomalies), type a, 11 (MDDGA11). Also called: Congenital muscular dystrophy-dystroglycanopathy with brain and eye anomalies, type A11; WALKER-WARBURG SYNDROME OR MUSCLE-EYE-BRAIN DISEASE, B3GALNT2-RELATED; Muscular dystrophy-dystroglycanopathy (congenital with brain and eye anomalies, type A, 11. Identifiers: Orphanet 588, Orphanet 899, MedGen C3554638, MONDO:0014071, OMIM 615181.

Allele frequency attached by ClinVar (database versions not stated): gnomAD 0.00001; gnomAD exomes 0.00001; TOPMed 0.00001.
gnomAD v4.1: 11 of 1,608,532 alleles (0.00068%); highest among the groups gnomAD compares: Non-Finnish European, 0.00094%; no homozygotes.

Submission:

Labcorp Genetics (formerly Invitae), Labcorp
Classification: Uncertain significance for Muscular dystrophy-dystroglycanopathy (congenital with brain and eye anomalies), type a, 11. Last evaluated: 2021-12-12. Review status: criteria provided, single submitter. Criteria: Invitae Variant Classification Sherloc (09022015). Collection method: clinical testing. Allele origin: germline.
Comment: This sequence change replaces phenylalanine, which is neutral and non-polar, with valine, which is neutral and non-polar, at codon 367 of the B3GALNT2 protein (p.Phe367Val). This variant is not present in population databases (gnomAD no frequency). This variant has not been reported in the literature in individuals affected with B3GALNT2-related conditions. Algorithms developed to predict the effect of missense changes on protein structure and function (SIFT, PolyPhen-2, Align-GVGD) all suggest that this variant is likely to be tolerated. In summary, the available evidence is currently insufficient to determine the role of this variant in disease. Therefore, it has been classified as a Variant of Uncertain Significance.

NM_152490.5(B3GALNT2):c.1099T>G (p.Phe367Val)

Gene: B3GALNT2 (beta-1,3-N-acetylgalactosaminyltransferase 2; minus strand). Cytogenetic location: 1q42.3.
Variant type: single nucleotide variant.
Coding change: c.1099T>G on transcript NM_152490.5 (MANE Select); coding-DNA position 1099, T replaced by G.
Protein change: p.Phe367Val; replaces phenylalanine 367 with valine.
Molecular consequence: missense variant.
Genome position (GRCh38, 1-based): chr1:235,455,611, A>C on the plus strand (T>G on the coding strand, the complement: B3GALNT2 is on the minus strand). VCF-style: chr1-235455611-A-C. GRCh37 (hg19) VCF-style: chr1-235618923-A-C.
Other names: short protein forms F367V.
Identifiers: ClinVar variation 2162012 (VCV002162012.2), dbSNP rs1018836177, ClinGen allele CA39608110.